The following is an entry in ClinVar:

ClinVar aggregate classification (germline): Uncertain significance. Review status: criteria provided, multiple submitters, no conflicts (2 of 4 stars). 3 submissions from 3 submitters: Uncertain significance (3). Last evaluated 2025-04-26.

Allele frequency attached by ClinVar (database versions not stated): gnomAD exomes below 0.00001; ExAC 0.00001.
gnomAD v4.1: 7 of 1,613,020 alleles (0.00043%); highest among the groups gnomAD compares: Non-Finnish European, 0.00042%; no homozygotes.

Submissions (3):

Labcorp Genetics (formerly Invitae), Labcorp
Classification: Uncertain significance. Last evaluated: 2025-04-26. Review status: criteria provided, single submitter. Criteria: Invitae Variant Classification Sherloc (09022015). Collection method: clinical testing. Allele origin: germline.
Comment: This sequence change creates a premature translational stop signal (p.Gln549*) in the DEAF1 gene. While this is not anticipated to result in nonsense mediated decay, it is expected to disrupt the last 17 amino acid(s) of the DEAF1 protein. This variant is not present in population databases (gnomAD no frequency). This variant has not been reported in the literature in individuals affected with DEAF1-related conditions. ClinVar contains an entry for this variant (Variation ID: 2071328). Experimental studies and prediction algorithms are not available or were not evaluated, and the functional significance of this variant is currently unknown. In summary, the available evidence is currently insufficient to determine the role of this variant in disease. Therefore, it has been classified as a Variant of Uncertain Significance.

Dasa
Classification: Uncertain significance. Last evaluated: 2025-02-02. Review status: criteria provided, single submitter. Criteria: DASA Assertion Criteria. Collection method: clinical testing. Allele origin: germline.
Comment: NM_021008.4(DEAF1):c.1645C>T (p.Gln549*) is a nonsense variant in DEAF1 predicted to introduce a premature termination codon and is predicted to result in an absent or altered protein product. Loss of function is an established disease mechanism for DEAF1-associated disorders. Published studies describe this variant in association with related phenotype (PMID: 30923367). Also, this variant is rare in population databases. The currently available literature and clinical evidence are not sufficient to establish a definitive association between this variant and the reported condition. Therefore, this variant is classified as a variant of uncertain significance.

CeGaT Center for Human Genetics Tuebingen
Classification: Uncertain significance. Last evaluated: 2023-11-01. Review status: criteria provided, single submitter. Criteria: CeGaT Center For Human Genetics Tuebingen Variant Classification Criteria Version 2. Collection method: clinical testing. Allele origin: germline. Affected: yes. Observed: 2 variant alleles.
Comment: DEAF1: PM2, PVS1:Moderate

Literature cited by the submitters: PubMed 30923367 (cited by Dasa).

NM_021008.4(DEAF1):c.1645C>T (p.Gln549Ter)

Gene: DEAF1 (DEAF1 transcription factor; minus strand). Cytogenetic location: 11p15.5.
Variant type: single nucleotide variant.
Coding change: c.1645C>T on transcript NM_021008.4 (MANE Select); coding-DNA position 1645, C replaced by T.
Protein change: p.Gln549Ter; replaces glutamine 549 with a stop codon.
Molecular consequence: nonsense.
Genome position (GRCh38, 1-based): chr11:644,603, G>A on the plus strand (C>T on the coding strand, the complement: DEAF1 is on the minus strand). VCF-style: chr11-644603-G-A. GRCh37 (hg19) VCF-style: chr11-644603-G-A.
Other names: c.1420C>T, p.Gln474Ter (NM_001293634.2); c.919C>T, p.Gln307Ter (NM_001367390.1); short protein forms Q474*, Q307*, Q549*.
Identifiers: ClinVar variation 2071328 (VCV002071328.33), dbSNP rs757439651, ClinGen allele CA5786095.